The following is an entry in ClinVar:

NM_015340.4(LARS2):c.1104C>G (p.Gly368=)

Genes: LARS2 (leucyl-tRNA synthetase 2, mitochondrial; plus strand), LARS2-AS1 (LARS2 antisense RNA 1; minus strand). Cytogenetic location: 3p21.31.
Variant type: single nucleotide variant.
Coding change: c.1104C>G on transcript NM_015340.4 (MANE Select); coding-DNA position 1104, C replaced by G.
Protein change: p.Gly368=; no amino-acid change (glycine 368 retained).
Molecular consequence: synonymous variant.
Genome position (GRCh38, 1-based): chr3:45,485,777, C>G. VCF-style: chr3-45485777-C-G. GRCh37 (hg19) VCF-style: chr3-45527269-C-G.
Other names: c.1104C>G, p.Gly368= (NM_001368263.1).
Identifiers: ClinVar variation 505003 (VCV000505003.8), dbSNP rs747618737, ClinGen allele CA2349508.
Genomic context (GRCh38, chr3:45,485,777, plus strand): 5'-GAACATGCTTACCCAGCAGGAGGTCCCTGTCGTTATTTTGGCCAAAGCTGACTTGGAAGG[C>G]TCTCTGGATTCAAAAATAGGTAAGCAGCTATTAAAATGTAACCACAACGGTATATTTTGC-3'
Protein context (NP_056155.1, residues 358-378): VVILAKADLE[Gly368=]SLDSKIGIPS

ClinVar aggregate classification (germline): Conflicting classifications of pathogenicity. Review status: criteria provided, conflicting classifications (1 of 4 stars). 3 submissions from 3 submitters: Uncertain significance (1); Likely benign (2). Last evaluated 2025-08-26.

Allele frequency attached by ClinVar (database versions not stated): gnomAD exomes 0.00001 and 0.00006; TOPMed 0.00002; gnomAD 0.00004; ExAC 0.00006.
gnomAD v4.1: 19 of 1,608,114 alleles (0.0012%); highest among the groups gnomAD compares: East Asian, 0.04%; no homozygotes.

Submissions (3):

Labcorp Genetics (formerly Invitae), Labcorp
Classification: Likely benign. Last evaluated: 2025-08-26. Review status: criteria provided, single submitter. Criteria: Invitae Variant Classification Sherloc (09022015). Collection method: clinical testing. Allele origin: germline.

GeneDx
Classification: Uncertain significance. Last evaluated: 2025-03-04. Review status: criteria provided, single submitter. Criteria: GeneDx Variant Classification Process June 2021. Collection method: clinical testing. Allele origin: germline. Affected: yes.
Comment: In silico analysis indicates that this variant does not alter splicing; Has not been previously published as pathogenic or benign to our knowledge

Laboratory for Molecular Medicine, Mass General Brigham Personalized Medicine
Classification: Likely benign. Last evaluated: 2016-05-02. Review status: criteria provided, single submitter. Criteria: LMM Criteria. Collection method: clinical testing. Allele origin: germline. Observed: 1 variant allele.
Comment: p.Gly368Gly in exon 11 of LARS2: This variant is not expected to have clinical significance because it does not alter an amino acid residue, is not located wit hin the splice consensus sequence. It has been identified in 0.1% (7/8651) of E ast Asian chromosomes by the Exome Aggregation Consortium (ExAC; dbSNP rs747618737).